The following is an entry in ClinVar:

ClinVar aggregate classification (germline): Uncertain significance (1 of 4 stars; one submission).

Conditions:
Singleton-Merten syndrome 1 (SGMRT1). Also called: Widened medullary cavities of bone, aortic calcification, abnormal dentition, and muscular weakness; Syndrome of widened medullary cavities of the metacarpals and phalanges, aortic calcification and abnormal dentition. Identifiers: Orphanet 85191, MedGen C4225427, MONDO:0024535, OMIM 182250.
Aicardi-Goutieres syndrome 7 (AGS7). Identifiers: Orphanet 51, MedGen C3888244, MONDO:0014367, OMIM 615846.

Allele frequency attached by ClinVar (database versions not stated): gnomAD exomes 0.00002; gnomAD 0.00003 and 0.00002; ExAC 0.00004; TOPMed 0.00002.
gnomAD v4.1: 47 of 1,610,072 alleles (0.0029%); highest among the groups gnomAD compares: Non-Finnish European, 0.0034%; no homozygotes.

Submission:

Labcorp Genetics (formerly Invitae), Labcorp
Classification: Uncertain significance for Aicardi-Goutieres syndrome 7; Singleton-Merten syndrome 1. Last evaluated: 2025-04-19. Review status: criteria provided, single submitter. Criteria: Invitae Variant Classification Sherloc (09022015). Collection method: clinical testing. Allele origin: germline.
Comment: This sequence change replaces arginine, which is basic and polar, with cysteine, which is neutral and slightly polar, at codon 374 of the IFIH1 protein (p.Arg374Cys). This variant is present in population databases (rs113854430, gnomAD 0.007%). This missense change has been observed in individual(s) with systemic lupus erythematosus (PMID: 30707351). ClinVar contains an entry for this variant (Variation ID: 863575). Invitae Evidence Modeling of protein sequence and biophysical properties (such as structural, functional, and spatial information, amino acid conservation, physicochemical variation, residue mobility, and thermodynamic stability) has been performed for this missense variant. However, the output from this modeling did not meet the statistical confidence thresholds required to predict the impact of this variant on IFIH1 protein function. In summary, the available evidence is currently insufficient to determine the role of this variant in disease. Therefore, it has been classified as a Variant of Uncertain Significance.

Literature cited by the submitters: PubMed 30707351.

NM_022168.4(IFIH1):c.1120C>T (p.Arg374Cys)

Gene: IFIH1 (interferon induced with helicase C domain 1; minus strand). Cytogenetic location: 2q24.2.
Variant type: single nucleotide variant.
Coding change: c.1120C>T on transcript NM_022168.4 (MANE Select); coding-DNA position 1120, C replaced by T.
Protein change: p.Arg374Cys; replaces arginine 374 with cysteine.
Molecular consequence: missense variant.
Genome position (GRCh38, 1-based): chr2:162,282,552, G>A on the plus strand (C>T on the coding strand, the complement: IFIH1 is on the minus strand). VCF-style: chr2-162282552-G-A. GRCh37 (hg19) VCF-style: chr2-163139062-G-A.
Other names: short protein forms R374C.
Identifiers: ClinVar variation 863575 (VCV000863575.9), dbSNP rs113854430, ClinGen allele CA1934607.
Genomic context (GRCh38, chr2:162,282,552, plus strand): 5'-TATCACCACTTAATCCAATAACACGATACCATTTCTTCAAAAATGGTTGGAACTCCTTGC[G>A]GAAGAGCTGTTCAACTAGCAGTACCTTAAAAAAATGTGAAGATTTTTTAAAAGAGAGAAA-3'
Protein context (NP_071451.2, residues 364-384): NKVLLVEQLF[Arg374Cys]KEFQPFLKKW